The following is an entry in ClinVar:

ClinVar aggregate classification (germline): Uncertain significance. Review status: criteria provided, multiple submitters, no conflicts (2 of 4 stars). 3 submissions from 3 submitters: Uncertain significance (3). Last evaluated 2021-09-06.

Conditions:
Autosomal recessive limb-girdle muscular dystrophy type 2M. Also called: MUSCULAR DYSTROPHY, LIMB-GIRDLE, TYPE 2M; MUSCULAR DYSTROPHY-DYSTROGLYCANOPATHY (LIMB-GIRDLE), TYPE C, 4. Identifiers: Orphanet 206554, MedGen C1969040, MONDO:0012699, OMIM 611588.
Dilated cardiomyopathy 1X (CMD1X). Also called: FKTN-Related Dilated Cardiomyopathy; CARDIOMYOPATHY, DILATED, WITH MILD OR NO PROXIMAL MUSCLE WEAKNESS. Identifiers: Orphanet 154, MedGen C1969024, MONDO:0012704, OMIM 611615.
Muscular dystrophy-dystroglycanopathy (congenital with brain and eye anomalies), type A1 (MDDGA1). Also called: WALKER-WARBURG SYNDROME OR MUSCLE-EYE-BRAIN DISEASE, POMT1-RELATED; Hydrocephalus, agyria and retinal dysplasia; Hard +/- E syndrome; Warburg syndrome; Chemke syndrome; Pagon syndrome. Identifiers: Orphanet 588, Orphanet 899, MedGen C4284790, MONDO:0009364, OMIM 236670.
Muscular dystrophy-dystroglycanopathy (congenital without impaired intellectual development), type B, 4. Also called: MUSCULAR DYSTROPHY, CONGENITAL, FKTN-RELATED; Muscular dystrophy-dystroglycanopathy (congenital without intellectual disability), type B4. Identifiers: MedGen C2751052, MONDO:0013156, OMIM 613152.
Muscular dystrophy-dystroglycanopathy (congenital with brain and eye anomalies), type A, 4 (MDDGA4). Also called: Congenital muscular dystrophy-dystroglycanopathy with brain and eye anomalies, type A4; WALKER-WARBURG SYNDROME OR MUSCLE-EYE-BRAIN DISEASE, FKTN-RELATED; Fukuyama congenital muscular dystrophy; Walker-Warburg Syndrome, Fktn-Related; Muscular dystrophy, congenital progressive, with mental retardation; Muscular dystrophy, congenital, with central nervous system involvement. Identifiers: Orphanet 272, Orphanet 588, Orphanet 899, MedGen C0410174, MONDO:0009678, OMIM 253800.
Walker-Warburg congenital muscular dystrophy. Also called: Muscular dystrophy-dystroglycanopathy, type A; Walker-Warburg syndrome. Identifiers: Orphanet 899, MedGen C0265221, MONDO:0000171.

Allele frequency attached by ClinVar (database versions not stated): gnomAD exomes below 0.00001 and 0.00001; ExAC 0.00001; ESP Exome Variant Server 0.00008.
gnomAD v4.1: 7 of 1,609,132 alleles (0.00044%); highest among the groups gnomAD compares: Non-Finnish European, 0.0006%; no homozygotes.

Submissions (3):

Labcorp Genetics (formerly Invitae), Labcorp
Classification: Uncertain significance for Walker-Warburg congenital muscular dystrophy. Last evaluated: 2021-09-06. Review status: criteria provided, single submitter. Criteria: Invitae Variant Classification Sherloc (09022015). Collection method: clinical testing. Allele origin: germline.
Comment: This sequence change replaces leucine with proline at codon 80 of the FKTN protein (p.Leu80Pro). The leucine residue is highly conserved and there is a moderate physicochemical difference between leucine and proline. This variant is present in population databases (rs371697266, ExAC 0.002%). This variant has not been reported in the literature in individuals affected with FKTN-related conditions. Algorithms developed to predict the effect of missense changes on protein structure and function (SIFT, PolyPhen-2, Align-GVGD) all suggest that this variant is likely to be disruptive. In summary, the available evidence is currently insufficient to determine the role of this variant in disease. Therefore, it has been classified as a Variant of Uncertain Significance.

Fulgent Genetics
Classification: Uncertain significance for Muscular dystrophy-dystroglycanopathy (congenital with brain and eye anomalies), type A1; Muscular dystrophy-dystroglycanopathy (congenital with brain and eye anomalies), type A, 4; Autosomal recessive limb-girdle muscular dystrophy type 2M; Dilated cardiomyopathy 1X; Muscular dystrophy-dystroglycanopathy (congenital without impaired intellectual development), type B, 4. Last evaluated: 2021-09-05. Review status: criteria provided, single submitter. Criteria: ACMG Guidelines, 2015. Collection method: clinical testing. Allele origin: unknown.

Revvity Omics, Revvity
Classification: Uncertain significance. Last evaluated: 2021-07-06. Review status: criteria provided, single submitter. Criteria: ACMG Guidelines, 2015. Collection method: clinical testing. Allele origin: germline.

NM_001079802.2(FKTN):c.239T>C (p.Leu80Pro)

Gene: FKTN (fukutin; plus strand). Cytogenetic location: 9q31.2.
Variant type: single nucleotide variant.
Coding change: c.239T>C on transcript NM_001079802.2 (MANE Select); coding-DNA position 239, T replaced by C.
Protein change: p.Leu80Pro; replaces leucine 80 with proline.
Molecular consequence: missense variant. On other transcripts: 5 prime UTR variant (4), non-coding transcript variant (2).
Genome position (GRCh38, 1-based): chr9:105,601,218, T>C. VCF-style: chr9-105601218-T-C. GRCh37 (hg19) VCF-style: chr9-108363499-T-C.
Other names: c.239T>C (NM_001079802.1); c.239T>C, p.Leu80Pro (NM_001198963.2, NM_001351496.2, NM_001351498.2 and 1 more transcripts); c.170T>C, p.Leu57Pro (NM_001351497.2); c.-276T>C (NM_001351499.2, NM_001351500.2, NM_001351501.2 and 1 more transcripts); short protein forms L57P, L80P.
Identifiers: ClinVar variation 1423621 (VCV001423621.6), dbSNP rs371697266, ClinGen allele CA5170360.